The following is an entry in ClinVar:

NM_021098.3(CACNA1H):c.5897C>T (p.Ala1966Val)

Gene: CACNA1H (calcium voltage-gated channel subunit alpha1 H; plus strand). Cytogenetic location: 16p13.3.
Variant type: single nucleotide variant.
Coding change: c.5897C>T on transcript NM_021098.3 (MANE Select); coding-DNA position 5897, C replaced by T.
Protein change: p.Ala1966Val; replaces alanine 1966 with valine.
Molecular consequence: missense variant.
Genome position (GRCh38, 1-based): chr16:1,218,979, C>T. VCF-style: chr16-1218979-C-T. GRCh37 (hg19) VCF-style: chr16-1268979-C-T.
Other names: c.5879C>T, p.Ala1960Val (NM_001005407.2); short protein forms A1966V, A1960V.
Identifiers: ClinVar variation 166781 (VCV000166781.30), dbSNP rs72552054, ClinGen allele CA179830.

ClinVar aggregate classification (germline): Benign/Likely benign. Review status: criteria provided, multiple submitters, no conflicts (2 of 4 stars). 11 submissions from 11 submitters: Benign (5); Likely benign (4). 2 of the submissions do not count toward it. Last evaluated 2026-08-01.

Conditions:
Hyperaldosteronism, familial, type IV (HALD4). Also called: FH IV; ALDOSTERONISM, PRIMARY, AND HYPERTENSION. Identifiers: Orphanet 642671, MedGen C4310756, MONDO:0014875, OMIM 617027.
Epilepsy, childhood absence, susceptibility to, 6. Identifiers: Orphanet 64280, MedGen C2749872, MONDO:0012763, OMIM 611942.
Idiopathic generalized epilepsy. Also called: Generalised epilepsy; EIG. Identifiers: MedGen C0270850, MONDO:0005579, OMIM 600669.

Allele frequency attached by ClinVar (database versions not stated): gnomAD 0.01514 and 0.01543; ExAC 0.02145; 1000 Genomes Project 30x 0.00937; TOPMed 0.01353; gnomAD exomes 0.01705 and 0.02244; 1000 Genomes Project 0.00919; ESP Exome Variant Server 0.01496.
gnomAD v4.1: 33,528 of 1,550,154 alleles (2.2%); highest among the groups gnomAD compares: Non-Finnish European, 2.5%; 431 homozygotes.

Submissions (11):

CeGaT Center for Human Genetics Tuebingen
Classification: Benign. Last evaluated: 2026-08-01. Review status: criteria provided, single submitter. Criteria: CeGaT Center For Human Genetics Tuebingen Variant Classification Criteria Version 2. Collection method: clinical testing. Allele origin: germline. Affected: yes. Observed: 4 variant alleles.
Comment: CACNA1H: BS1, BS2

Labcorp Genetics (formerly Invitae), Labcorp
Classification: Benign for Idiopathic generalized epilepsy; Hyperaldosteronism, familial, type IV. Last evaluated: 2026-02-03. Review status: criteria provided, single submitter. Criteria: Invitae Variant Classification Sherloc (09022015). Collection method: clinical testing. Allele origin: germline.

Blueprint Genetics
Classification: Likely benign. Last evaluated: 2024-11-27. Review status: criteria provided, single submitter. Criteria: ACMG Guidelines, 2015. Collection method: clinical testing. Allele origin: germline.

Mayo Clinic Laboratories, Mayo Clinic
Classification: Benign. Last evaluated: 2023-09-27. Review status: criteria provided, single submitter. Criteria: ACMG Guidelines, 2015. Collection method: clinical testing. Allele origin: germline. Observed: 4 variant alleles.
Comment: BA1

Fulgent Genetics
Classification: Likely benign for Epilepsy, childhood absence, susceptibility to, 6; Hyperaldosteronism, familial, type IV. Last evaluated: 2021-11-04. Review status: criteria provided, single submitter. Criteria: ACMG Guidelines, 2015. Collection method: clinical testing. Allele origin: unknown.

GeneDx
Classification: Likely benign. Last evaluated: 2020-07-13. Review status: criteria provided, single submitter. Criteria: GeneDx Variant Classification Process June 2021. Collection method: clinical testing. Allele origin: germline. Affected: yes.

Athena Diagnostics
Classification: Benign. Last evaluated: 2017-06-14. Review status: criteria provided, single submitter. Criteria: Athena Diagnostics Criteria. Collection method: clinical testing. Allele origin: germline.

Eurofins Ntd Llc (ga)
Classification: Benign. Last evaluated: 2013-12-20. Review status: criteria provided, single submitter. Criteria: EGL Classification Definitions 2015. Collection method: clinical testing. Allele origin: germline.

Breakthrough Genomics
Classification: Likely benign. Review status: criteria provided, single submitter. Criteria: ACMG Guidelines, 2015. Collection method: not provided. Allele origin: germline. Inheritance: Autosomal dominant inheritance. Affected: yes.

Genome Diagnostics Laboratory, University Medical Center Utrecht
Classification: Benign. Review status: no assertion criteria provided. Collection method: clinical testing. Allele origin: germline. Affected: yes. Study: VKGL Data-share Consensus. Not counted in ClinVar's aggregate classification.

Laboratory of Diagnostic Genome Analysis, Leiden University Medical Center (LUMC)
Classification: Likely benign. Review status: no assertion criteria provided. Collection method: clinical testing. Allele origin: germline. Affected: yes. Study: VKGL Data-share Consensus. Not counted in ClinVar's aggregate classification.